The following is an entry in ClinVar:

NM_001267550.2(TTN):c.75548T>C (p.Ile25183Thr)

Genes: TTN (titin; minus strand), TTN-AS1 (TTN antisense RNA 1; plus strand). Cytogenetic location: 2q31.2.
Variant type: single nucleotide variant.
Coding change: c.75548T>C on transcript NM_001267550.2 (MANE Select); coding-DNA position 75548, T replaced by C.
Protein change: p.Ile25183Thr; replaces isoleucine 25183 with threonine.
Molecular consequence: missense variant.
Genome position (GRCh38, 1-based): chr2:178,570,584, A>G on the plus strand (T>C on the coding strand, the complement: TTN is on the minus strand). VCF-style: chr2-178570584-A-G. GRCh37 (hg19) VCF-style: chr2-179435311-A-G.
Other names: p.I23542T:ATA>ACA; c.70625T>C, p.Ile23542Thr (NM_001256850.1); c.48353T>C, p.Ile16118Thr (NM_003319.4); c.67844T>C, p.Ile22615Thr (NM_133378.4); c.48728T>C, p.Ile16243Thr (NM_133432.3); c.48929T>C, p.Ile16310Thr (NM_133437.4); short protein forms I23542T, I25183T, I16118T, I16310T, I16243T, I22615T.
Identifiers: ClinVar variation 202862 (VCV000202862.2), dbSNP rs794729497, ClinGen allele CA310514.

ClinVar aggregate classification (germline): Uncertain significance (1 of 4 stars; one submission).

Submission:

GeneDx
Classification: Uncertain significance. Last evaluated: 2014-08-26. Review status: criteria provided, single submitter. Criteria: GeneDx Variant Classification (06012015). Collection method: clinical testing. Allele origin: germline. Affected: yes.
Comment: Missense variants in the TTN gene are considered 'unclassified' if they are not previously reported in the literature and do not have >1% frequency in the population to be considered a polymorphism. Research indicates that truncating mutations in the TTN gene are expected to account for approximately 25% of familial and 18% of sporadic idiopathic DCM; however, truncating variants in the TTN gene have been reported in approximately 3% of reported control alleles. There has been little investigation into non-truncating variants. (Herman D et al. Truncations of titin causing dilated cardiomyopathy. N Eng J Med 366:619-628, 2012) The variant is found in DCM-CRDM panel(s).